The following is an entry in ClinVar:

NM_001379200.1(TBX1):c.1309G>C (p.Gly437Arg)

Gene: TBX1 (T-box transcription factor 1; plus strand). Cytogenetic location: 22q11.21.
Variant type: single nucleotide variant.
Coding change: c.1309G>C on transcript NM_001379200.1 (MANE Select); coding-DNA position 1309, G replaced by C.
Protein change: p.Gly437Arg; replaces glycine 437 with arginine.
Molecular consequence: missense variant. On other transcripts: intron variant (2).
Genome position (GRCh38, 1-based): chr22:19,766,661, G>C. VCF-style: chr22-19766661-G-C. GRCh37 (hg19) VCF-style: chr22-19754184-G-C.
Other names: c.1282G>C, p.Gly428Arg (NM_080647.1); c.1009+659G>C (NM_005992.1, NM_080646.2); short protein forms G428R, G437R.
Identifiers: ClinVar variation 1200198 (VCV001200198.4), dbSNP rs1458962515, ClinGen allele CA410684935.

ClinVar aggregate classification (germline): Uncertain significance. Review status: criteria provided, multiple submitters, no conflicts (2 of 4 stars). 2 submissions from 2 submitters: Uncertain significance (2). Last evaluated 2025-08-01.

Conditions:
DiGeorge syndrome. Also called: Catch22; THIRD AND FOURTH PHARYNGEAL POUCH SYNDROME. Identifiers: Orphanet 567, MedGen C0012236, MONDO:0008564, OMIM 188400.

gnomAD v4.1: 4 of 1,551,944 alleles (0.00026%); highest among the groups gnomAD compares: Middle Eastern, 0.037%; no homozygotes.

Submissions (2):

Labcorp Genetics (formerly Invitae), Labcorp
Classification: Uncertain significance for DiGeorge syndrome. Last evaluated: 2025-08-01. Review status: criteria provided, single submitter. Criteria: Invitae Variant Classification Sherloc (09022015). Collection method: clinical testing. Allele origin: germline.
Comment: This sequence change replaces glycine, which is neutral and non-polar, with arginine, which is basic and polar, at codon 428 of the TBX1 protein (p.Gly428Arg). The frequency data for this variant in the population databases is considered unreliable, as metrics indicate poor data quality at this position in the gnomAD database. This variant has not been reported in the literature in individuals affected with TBX1-related conditions. ClinVar contains an entry for this variant (Variation ID: 1200198). An algorithm developed to predict the effect of missense changes on protein structure and function (PolyPhen-2) suggests that this variant is likely to be disruptive. In summary, the available evidence is currently insufficient to determine the role of this variant in disease. Therefore, it has been classified as a Variant of Uncertain Significance.

GeneDx
Classification: Uncertain significance. Last evaluated: 2020-12-17. Review status: criteria provided, single submitter. Criteria: GeneDx Variant Classification Process June 2021. Collection method: clinical testing. Allele origin: germline. Affected: yes.
Comment: Not observed at a significant frequency in large population cohorts (Lek et al., 2016); In silico analysis supports that this missense variant does not alter protein structure/function; Has not been previously published as pathogenic or benign to our knowledge